The following is an entry in ClinVar:

NM_000135.4(FANCA):c.2619C>G (p.Phe873Leu)

Genes: FANCA (FA complementation group A; minus strand), LOC130059837 (ATAC-STARR-seq lymphoblastoid active region 11420; plus strand). Cytogenetic location: 16q24.3.
Variant type: single nucleotide variant.
Coding change: c.2619C>G on transcript NM_000135.4 (MANE Select); coding-DNA position 2619, C replaced by G.
Protein change: p.Phe873Leu; replaces phenylalanine 873 with leucine.
Molecular consequence: missense variant.
Genome position (GRCh38, 1-based): chr16:89,765,049, G>C on the plus strand (C>G on the coding strand, the complement: FANCA is on the minus strand). VCF-style: chr16-89765049-G-C. GRCh37 (hg19) VCF-style: chr16-89831457-G-C.
Other names: c.2619C>G, p.Phe873Leu (NM_001286167.3); c.2619C>G (NM_000135.3); short protein forms F873L.
Identifiers: ClinVar variation 4022139 (VCV004022139.3).

ClinVar aggregate classification (germline): Conflicting classifications of pathogenicity. Review status: criteria provided, conflicting classifications (1 of 4 stars). 2 submissions from 2 submitters: Uncertain significance (1); Likely benign (1). Last evaluated 2025-11-26.

Conditions:
Inborn genetic diseases. Identifiers: MedGen C0950123, MeSH D030342.

gnomAD v4.1: 2 of 1,614,016 alleles (0.00012%); highest among the groups gnomAD compares: African/African-American, 0.0027%; no homozygotes.

Submissions (2):

Ambry Genetics
Classification: Likely benign for Inborn genetic diseases. Last evaluated: 2025-11-26. Review status: criteria provided, single submitter. Criteria: Ambry Variant Classification Scheme 2023. Collection method: clinical testing. Allele origin: germline.

Quest Diagnostics Nichols Institute San Juan Capistrano
Classification: Uncertain significance. Last evaluated: 2025-02-01. Review status: criteria provided, single submitter. Criteria: Quest Diagnostics criteria. Collection method: clinical testing. Allele origin: unknown.
Comment: The FANCA c.2619C>G (p.Phe873Leu) variant has not been reported in individuals with FANCA-related conditions in the published literature. The frequency of this variant in the general population (Genome Aggregation Database) is uninformative in the assessment of its pathogenicity. Analysis of this variant using bioinformatics tools for the prediction of the effect of amino acid changes on protein structure and function yielded predictions that this variant is benign. Based on the available information, we are unable to determine the clinical significance of this variant.